The following is an entry in ClinVar:

ClinVar aggregate classification (germline): Uncertain significance (1 of 4 stars; one submission).

Conditions:
Nephrolithiasis/nephrocalcinosis. Identifiers: MedGen CN580796.

gnomAD v4.1: 1 of 1,613,510 alleles (0.000062%); highest among the groups gnomAD compares: Admixed American, 0.0017%; no homozygotes.

Submission:

Ambry Genetics
Classification: Uncertain significance for Nephrolithiasis/nephrocalcinosis. Last evaluated: 2024-03-21. Review status: criteria provided, single submitter. Criteria: Ambry Variant Classification Scheme 2023. Collection method: clinical testing. Allele origin: germline.
Comment: The p.G907A variant (also known as c.2720G>C), located in coding exon 6 of the CASR gene, results from a G to C substitution at nucleotide position 2720. The glycine at codon 907 is replaced by alanine, an amino acid with similar properties. This amino acid position is well conserved in available vertebrate species. In addition, this alteration is predicted to be tolerated by in silico analysis. In addition, the evidence for the gene-disease relationship is limited for pancreatitis and cancer predisposition; therefore, the clinical significance of this variant for CASR-related pancreatitis and cancer predisposition is unclear. Based on the available evidence, the clinical significance of this alteration remains unclear.

NM_000388.4(CASR):c.2720G>C (p.Gly907Ala)

Gene: CASR (calcium sensing receptor; plus strand). Cytogenetic location: 3q21.1.
Variant type: single nucleotide variant.
Coding change: c.2720G>C on transcript NM_000388.4 (MANE Select); coding-DNA position 2720, G replaced by C.
Protein change: p.Gly907Ala; replaces glycine 907 with alanine.
Molecular consequence: missense variant.
Genome position (GRCh38, 1-based): chr3:122,284,674, G>C. VCF-style: chr3-122284674-G-C. GRCh37 (hg19) VCF-style: chr3-122003521-G-C.
Other names: c.2750G>C, p.Gly917Ala (NM_001178065.2); short protein forms G907A, G917A.
Identifiers: ClinVar variation 3263478 (VCV003263478.1).
Genomic context (GRCh38, chr3:122,284,674, plus strand): 5'-CCACGCTGCGCCGCAGCAACGTCTCCCGCAAGCGGTCCAGCAGCCTTGGAGGCTCCACGG[G>C]ATCCACCCCCTCCTCCTCCATCAGCAGCAAGAGCAACAGCGAAGACCCATTCCCACAGCC-3'
Protein context (NP_000379.3, residues 897-917): KRSSSLGGST[Gly907Ala]STPSSSISSK